The following is an entry in ClinVar:

ClinVar aggregate classification (germline): Uncertain significance. Review status: criteria provided, multiple submitters, no conflicts (2 of 4 stars). 2 submissions from 2 submitters: Uncertain significance (2). Last evaluated 2026-03-23.

Conditions:
Hereditary cancer-predisposing syndrome. Also called: Neoplastic Syndromes, Hereditary; Tumor predisposition; Hereditary Cancer Syndrome; Hereditary neoplastic syndrome. Identifiers: Orphanet 140162, MedGen C0027672, MeSH D009386, MONDO:0015356.
EGFR-related lung cancer (EGFR). Identifiers: MedGen CN130014.

Submissions (2):

Ambry Genetics
Classification: Uncertain significance for Hereditary cancer-predisposing syndrome. Last evaluated: 2026-03-23. Review status: criteria provided, single submitter. Criteria: Ambry Variant Classification Scheme 2023. Collection method: clinical testing. Allele origin: germline.
Comment: The p.T446S variant (also known as c.1336A>T), located in coding exon 12 of the EGFR gene, results from an A to T substitution at nucleotide position 1336. The threonine at codon 446 is replaced by serine, an amino acid with similar properties. This amino acid position is conserved. In addition, this alteration is predicted to be tolerated by in silico analysis. Based on the available evidence, the clinical significance of this variant remains unclear.

Labcorp Genetics (formerly Invitae), Labcorp
Classification: Uncertain significance for EGFR-related lung cancer. Last evaluated: 2024-04-05. Review status: criteria provided, single submitter. Criteria: Invitae Variant Classification Sherloc (09022015). Collection method: clinical testing. Allele origin: germline.
Comment: This sequence change replaces threonine, which is neutral and polar, with serine, which is neutral and polar, at codon 446 of the EGFR protein (p.Thr446Ser). This variant is not present in population databases (gnomAD no frequency). This variant has not been reported in the literature in individuals affected with EGFR-related conditions. ClinVar contains an entry for this variant (Variation ID: 1375281). Advanced modeling of protein sequence and biophysical properties (such as structural, functional, and spatial information, amino acid conservation, physicochemical variation, residue mobility, and thermodynamic stability) performed at Invitae indicates that this missense variant is not expected to disrupt EGFR protein function with a negative predictive value of 80%. In summary, the available evidence is currently insufficient to determine the role of this variant in disease. Therefore, it has been classified as a Variant of Uncertain Significance.

NM_005228.5(EGFR):c.1336A>T (p.Thr446Ser)

Gene: EGFR (epidermal growth factor receptor; plus strand). Cytogenetic location: 7p11.2.
Variant type: single nucleotide variant.
Coding change: c.1336A>T on transcript NM_005228.5 (MANE Select); coding-DNA position 1336, A replaced by T.
Protein change: p.Thr446Ser; replaces threonine 446 with serine.
Molecular consequence: missense variant.
Genome position (GRCh38, 1-based): chr7:55,160,176, A>T. VCF-style: chr7-55160176-A-T. GRCh37 (hg19) VCF-style: chr7-55227869-A-T.
Other names: c.1336A>T (NM_005228.3); c.1201A>T, p.Thr401Ser (NM_001346897.2, NM_001346899.2); c.1336A>T, p.Thr446Ser (NM_001346898.2, NM_201282.2, NM_201284.2); c.1177A>T, p.Thr393Ser (NM_001346900.2); c.535A>T, p.Thr179Ser (NM_001346941.2); short protein forms T401S, T393S, T179S, T446S.
Identifiers: ClinVar variation 1375281 (VCV001375281.9), dbSNP rs2128941370, ClinGen allele CA367579384.
Genomic context (GRCh38, chr7:55,160,176, plus strand): 5'-GATTTTTCTTCTCTCCAATGTAGTGGTCAGTTTTCTCTTGCAGTCGTCAGCCTGAACATA[A>T]CATCCTTGGGATTACGCTCCCTCAAGGAGATAAGTGATGGAGATGTGATAATTTCAGGAA-3'
Protein context (NP_005219.2, residues 436-456): FSLAVVSLNI[Thr446Ser]SLGLRSLKEI